The following is an entry in ClinVar:

NM_000400.4(ERCC2):c.6-3C>T

Gene: ERCC2 (ERCC excision repair 2, TFIIH core complex helicase subunit; minus strand). Cytogenetic location: 19q13.32.
Variant type: single nucleotide variant.
Coding change: c.6-3C>T on transcript NM_000400.4 (MANE Select); 3 bases into the intron before coding-DNA position 6, C replaced by T.
Molecular consequence: intron variant. On other transcripts: 5 prime UTR variant (1).
Genome position (GRCh38, 1-based): chr19:45,370,235, G>A on the plus strand (C>T on the coding strand, the complement: ERCC2 is on the minus strand). VCF-style: chr19-45370235-G-A. GRCh37 (hg19) VCF-style: chr19-45873493-G-A.
Other names: c.-70C>T (NM_001130867.2).
Identifiers: ClinVar variation 1383888 (VCV001383888.6), dbSNP rs1318273901, ClinGen allele CA633349389.

ClinVar aggregate classification (germline): Uncertain significance (1 of 4 stars; one submission).

Allele frequency attached by ClinVar (database versions not stated): gnomAD exomes below 0.00001; gnomAD 0.00001.
gnomAD v4.1: 2 of 1,613,022 alleles (0.00012%); highest among the groups gnomAD compares: African/African-American, 0.0027%; no homozygotes.

Submission:

Labcorp Genetics (formerly Invitae), Labcorp
Classification: Uncertain significance. Last evaluated: 2022-07-25. Review status: criteria provided, single submitter. Criteria: Invitae Variant Classification Sherloc (09022015). Collection method: clinical testing. Allele origin: germline.
Comment: Variants that disrupt the consensus splice site are a relatively common cause of aberrant splicing (PMID: 17576681, 9536098). Algorithms developed to predict the effect of sequence changes on RNA splicing suggest that this variant is not likely to affect RNA splicing. In summary, the available evidence is currently insufficient to determine the role of this variant in disease. Therefore, it has been classified as a Variant of Uncertain Significance. ClinVar contains an entry for this variant (Variation ID: 1383888). This variant has not been reported in the literature in individuals affected with ERCC2-related conditions. This variant is present in population databases (no rsID available, gnomAD 0.01%). This sequence change falls in intron 1 of the ERCC2 gene. It does not directly change the encoded amino acid sequence of the ERCC2 protein. It affects a nucleotide within the consensus splice site.

Literature cited by the submitters: PubMed 17576681; PubMed 9536098.